The following is an entry in ClinVar:

NM_153682.3(PIGP):c.156-2A>G

Gene: PIGP (phosphatidylinositol glycan anchor biosynthesis class P; minus strand). Cytogenetic location: 21q22.13.
Variant type: single nucleotide variant.
Coding change: c.156-2A>G on transcript NM_153682.3 (MANE Select); the canonical splice acceptor site of the intron before coding-DNA position 156, A replaced by G.
Molecular consequence: splice acceptor variant.
Genome position (GRCh38, 1-based): chr21:37,067,382, T>C on the plus strand (A>G on the coding strand, the complement: PIGP is on the minus strand). VCF-style: chr21-37067382-T-C. GRCh37 (hg19) VCF-style: chr21-38439682-T-C.
Other names: c.228-2A>G (NM_153681.2); c.78-2A>G (NM_016430.4); c.156-2A>G (NM_001320480.2).
Identifiers: ClinVar variation 1478317 (VCV001478317.5), dbSNP rs2146806422, ClinGen allele CA409919641.

ClinVar aggregate classification (germline): Uncertain significance (1 of 4 stars; one submission).

Submission:

Labcorp Genetics (formerly Invitae), Labcorp
Classification: Uncertain significance. Last evaluated: 2023-07-10. Review status: criteria provided, single submitter. Criteria: Invitae Variant Classification Sherloc (09022015). Collection method: clinical testing. Allele origin: germline.
Comment: In summary, the available evidence is currently insufficient to determine the role of this variant in disease. Therefore, it has been classified as a Variant of Uncertain Significance. Algorithms developed to predict the effect of sequence changes on RNA splicing suggest that this variant may disrupt the consensus splice site. ClinVar contains an entry for this variant (Variation ID: 1478317). This variant has not been reported in the literature in individuals affected with PIGP-related conditions. This variant is not present in population databases (gnomAD no frequency). This sequence change affects an acceptor splice site in intron 2 of the PIGP gene. It is expected to disrupt RNA splicing. Variants that disrupt the donor or acceptor splice site typically lead to a loss of protein function (PMID: 16199547), however the current clinical and genetic evidence is not sufficient to establish whether loss-of-function variants in PIGP cause disease.

Literature cited by the submitters: PubMed 16199547.